The following is an entry in ClinVar:

NM_000051.4(ATM):c.4879C>A (p.Gln1627Lys)

Gene: ATM (ATM serine/threonine kinase; plus strand). Cytogenetic location: 11q22.3.
Variant type: single nucleotide variant.
Coding change: c.4879C>A on transcript NM_000051.4 (MANE Select); coding-DNA position 4879, C replaced by A.
Protein change: p.Gln1627Lys; replaces glutamine 1627 with lysine.
Molecular consequence: missense variant.
Genome position (GRCh38, 1-based): chr11:108,295,029, C>A. VCF-style: chr11-108295029-C-A. GRCh37 (hg19) VCF-style: chr11-108165756-C-A.
Other names: c.4879C>A, p.Gln1627Lys (NM_001351834.2); short protein forms Q1627K.
Identifiers: ClinVar variation 453542 (VCV000453542.12), dbSNP rs886039592, ClinGen allele CA382537156.
Genomic context (GRCh38, chr11:108,295,029, plus strand): 5'-CCATTGACAAGACTTGAAGGACTAAAGGATCTTCGAAGACAACTGGAACTACATAAAGAT[C>A]AGATGGTGGACATTATGAGAGCTTCTCAGGGTGCTAATTTTAAATGACATGGGCTATTTC-3'
Protein context (NP_000042.3, residues 1617-1637): LRRQLELHKD[Gln1627Lys]MVDIMRASQD

ClinVar aggregate classification (germline): Uncertain significance. Review status: criteria provided, multiple submitters, no conflicts (2 of 4 stars). 3 submissions from 3 submitters: Uncertain significance (3). Last evaluated 2025-11-17.

Conditions:
Hereditary cancer-predisposing syndrome. Also called: Tumor predisposition; Hereditary Cancer Syndrome; Neoplastic Syndromes, Hereditary; Hereditary neoplastic syndrome. Identifiers: Orphanet 140162, MedGen C0027672, MeSH D009386, MONDO:0015356.
Ataxia-telangiectasia syndrome (AT). Also called: Cerebello-oculocutaneous telangiectasia; Immunodeficiency with ataxia telangiectasia; Ataxia-telangiectasia, complementation group D; AT, COMPLEMENTATION GROUP C; Ataxia-telangiectasia, complementation group E; LOUIS-BAR SYNDROME. Identifiers: Orphanet 100, MedGen C0004135, MONDO:0008840, OMIM 208900.

gnomAD v4.1: 1 of 1,613,892 alleles (0.000062%); highest among the groups gnomAD compares: Non-Finnish European, 0.000085%; no homozygotes.

Submissions (3):

Ambry Genetics
Classification: Uncertain significance for Hereditary cancer-predisposing syndrome. Last evaluated: 2025-11-17. Review status: criteria provided, single submitter. Criteria: Ambry Variant Classification Scheme 2023. Collection method: clinical testing. Allele origin: germline.
Comment: The p.Q1627K variant (also known as c.4879C>A), located in coding exon 31 of the ATM gene, results from a C to A substitution at nucleotide position 4879. The glutamine at codon 1627 is replaced by lysine, an amino acid with similar properties. This amino acid position is highly conserved in available vertebrate species. In addition, the in silico prediction for this alteration is inconclusive. Since supporting evidence is limited at this time, the clinical significance of this alteration remains unclear.

Color Diagnostics, LLC DBA Color Health
Classification: Uncertain significance for Hereditary cancer-predisposing syndrome. Last evaluated: 2025-11-06. Review status: criteria provided, single submitter. Criteria: ACMG Guidelines, 2015. Collection method: clinical testing. Allele origin: germline.
Comment: This missense variant replaces glutamine with lysine at codon 1627 of the ATM protein. Computational prediction suggests that this variant may not impact protein structure and function. To our knowledge, functional studies have not been reported for this variant. This variant has not been reported in individuals affected with ATM-related disorders in the literature. This variant has been identified in 1/1613892 chromosomes in the general population by the Genome Aggregation Database (gnomAD). The available evidence is insufficient to determine the role of this variant in disease conclusively. Therefore, this variant is classified as a Variant of Uncertain Significance.

Labcorp Genetics (formerly Invitae), Labcorp
Classification: Uncertain significance for Ataxia-telangiectasia syndrome. Last evaluated: 2025-10-07. Review status: criteria provided, single submitter. Criteria: Invitae Variant Classification Sherloc (09022015). Collection method: clinical testing. Allele origin: germline.
Comment: This sequence change replaces glutamine, which is neutral and polar, with lysine, which is basic and polar, at codon 1627 of the ATM protein (p.Gln1627Lys). This variant is not present in population databases (gnomAD no frequency). This variant has not been reported in the literature in individuals affected with ATM-related conditions. ClinVar contains an entry for this variant (Variation ID: 453542). Invitae Evidence Modeling of protein sequence and biophysical properties (such as structural, functional, and spatial information, amino acid conservation, physicochemical variation, residue mobility, and thermodynamic stability) has been performed for this missense variant. However, the output from this modeling did not meet the statistical confidence thresholds required to predict the impact of this variant on ATM protein function. In summary, the available evidence is currently insufficient to determine the role of this variant in disease. Therefore, it has been classified as a Variant of Uncertain Significance.